The following is an entry in ClinVar:

NM_000392.5(ABCC2):c.513del (p.Tyr172fs)

Gene: ABCC2 (ATP binding cassette subfamily C member 2; plus strand). Cytogenetic location: 10q24.2.
Variant type: Deletion.
Coding change: c.513del on transcript NM_000392.5 (MANE Select); coding-DNA position 513, one base deleted (C; older notation c.513delC).
Protein change: p.Tyr172fs; shifts the reading frame from tyrosine 172.
Molecular consequence: frameshift variant.
Genome position (GRCh38, 1-based): chr10:99,793,936, C deleted; the last of 2 consecutive C bases (chr10:99,793,935-99,793,936); deleting either gives the same sequence. VCF-style (leftmost placement, unchanged base first): chr10-99793934-TC-T. GRCh37 (hg19) VCF-style: chr10-101553691-TC-T.
Other names: short protein forms Y172fs.
Identifiers: ClinVar variation 2087674 (VCV002087674.5), dbSNP rs748840439, ClinGen allele CA5642912.

ClinVar aggregate classification (germline): Pathogenic (1 of 4 stars; one submission).

Submission:

Labcorp Genetics (formerly Invitae), Labcorp
Classification: Pathogenic. Last evaluated: 2023-02-08. Review status: criteria provided, single submitter. Criteria: Invitae Variant Classification Sherloc (09022015). Collection method: clinical testing. Allele origin: germline.
Comment: This sequence change creates a premature translational stop signal (p.Tyr172Thrfs*6) in the ABCC2 gene. It is expected to result in an absent or disrupted protein product. Loss-of-function variants in ABCC2 are known to be pathogenic (PMID: 9185779, 16549534, 16952291). This variant is present in population databases (rs748840439, gnomAD 0.003%). This variant has not been reported in the literature in individuals affected with ABCC2-related conditions. For these reasons, this variant has been classified as Pathogenic.

Literature cited by the submitters: PubMed 9185779; PubMed 16549534; PubMed 16952291.